The following is an entry in ClinVar:

NM_020778.5(ALPK3):c.1846A>G (p.Ile616Val)

Gene: ALPK3 (alpha kinase 3; plus strand). Cytogenetic location: 15q25.3.
Variant type: single nucleotide variant.
Coding change: c.1846A>G on transcript NM_020778.5 (MANE Select); coding-DNA position 1846, A replaced by G.
Protein change: p.Ile616Val; replaces isoleucine 616 with valine.
Molecular consequence: missense variant.
Genome position (GRCh38, 1-based): chr15:84,856,584, A>G. VCF-style: chr15-84856584-A-G. GRCh37 (hg19) VCF-style: chr15-85399815-A-G.
Other names: short protein forms I616V.
Identifiers: ClinVar variation 1468252 (VCV001468252.9), dbSNP rs753965640, ClinGen allele CA7709303.

ClinVar aggregate classification (germline): Uncertain significance. Review status: criteria provided, multiple submitters, no conflicts (2 of 4 stars). 2 submissions from 2 submitters: Uncertain significance (2). Last evaluated 2026-01-18.

Conditions:
Cardiovascular phenotype. Identifiers: MedGen CN230736.

Allele frequency attached by ClinVar (database versions not stated): ExAC 0.00002; gnomAD exomes below 0.00001 and 0.00001; gnomAD 0.00001; TOPMed 0.00002.
gnomAD v4.1: 5 of 1,614,068 alleles (0.00031%); highest among the groups gnomAD compares: African/African-American, 0.0067%; no homozygotes.

Submissions (2):

Labcorp Genetics (formerly Invitae), Labcorp
Classification: Uncertain significance. Last evaluated: 2026-01-18. Review status: criteria provided, single submitter. Criteria: Invitae Variant Classification Sherloc (09022015). Collection method: clinical testing. Allele origin: germline.
Comment: This sequence change replaces isoleucine, which is neutral and non-polar, with valine, which is neutral and non-polar, at codon 818 of the ALPK3 protein (p.Ile818Val). This variant is present in population databases (rs753965640, gnomAD 0.02%). This variant has not been reported in the literature in individuals affected with ALPK3-related conditions. ClinVar contains an entry for this variant (Variation ID: 1468252). Invitae Evidence Modeling of protein sequence and biophysical properties (such as structural, functional, and spatial information, amino acid conservation, physicochemical variation, residue mobility, and thermodynamic stability) indicates that this missense variant is not expected to disrupt ALPK3 protein function with a negative predictive value of 80%. Algorithms developed to predict the effect of sequence changes on RNA splicing suggest that this variant may create or strengthen a splice site. In summary, the available evidence is currently insufficient to determine the role of this variant in disease. Therefore, it has been classified as a Variant of Uncertain Significance.

Ambry Genetics
Classification: Uncertain significance for Cardiovascular phenotype. Last evaluated: 2025-02-09. Review status: criteria provided, single submitter. Criteria: Ambry Variant Classification Scheme 2023. Collection method: clinical testing. Allele origin: germline.
Comment: The p.I818V variant (also known as c.2452A>G), located in coding exon 6 of the ALPK3 gene, results from an A to G substitution at nucleotide position 2452. The isoleucine at codon 818 is replaced by valine, an amino acid with highly similar properties. This amino acid position is poorly conserved in available vertebrate species. In addition, this alteration is predicted to be tolerated by in silico analysis. Since supporting evidence is limited at this time, the clinical significance of this alteration remains unclear.